The following is an entry in ClinVar:

ClinVar aggregate classification (germline): Benign/Likely benign. Review status: criteria provided, multiple submitters, no conflicts (2 of 4 stars). 4 submissions from 4 submitters: Benign (2); Likely benign (2). Last evaluated 2026-01-01.

Allele frequency attached by ClinVar (database versions not stated): ESP Exome Variant Server 0.00145; TOPMed 0.00176; gnomAD 0.00184 and 0.00205; 1000 Genomes Project 30x 0.00219; 1000 Genomes Project 0.00240; gnomAD exomes 0.00299; ExAC 0.00317.
gnomAD v4.1: 3,521 of 1,593,118 alleles (0.22%); highest among the groups gnomAD compares: Middle Eastern, 1.1%; 13 homozygotes.

Submissions (4):

CeGaT Center for Human Genetics Tuebingen
Classification: Likely benign. Last evaluated: 2026-01-01. Review status: criteria provided, single submitter. Criteria: CeGaT Center For Human Genetics Tuebingen Variant Classification Criteria Version 2. Collection method: clinical testing. Allele origin: germline. Affected: yes. Observed: 1 variant allele.
Comment: KIF15: BP4, BP7

Blueprint Genetics
Classification: Likely benign. Last evaluated: 2024-11-13. Review status: criteria provided, single submitter. Criteria: ACMG Guidelines, 2015. Collection method: clinical testing. Allele origin: germline.

Labcorp Genetics (formerly Invitae), Labcorp
Classification: Benign. Last evaluated: 2019-12-31. Review status: criteria provided, single submitter. Criteria: Invitae Variant Classification Sherloc (09022015). Collection method: clinical testing. Allele origin: germline.

Breakthrough Genomics
Classification: Benign. Review status: criteria provided, single submitter. Criteria: ACMG Guidelines, 2015. Collection method: not provided. Allele origin: germline. Inheritance: Autosomal recessive inheritance. Affected: yes.

NM_020242.3(KIF15):c.4125C>T (p.Ala1375=)

Gene: KIF15 (kinesin family member 15; plus strand). Cytogenetic location: 3p21.31.
Variant type: single nucleotide variant.
Coding change: c.4125C>T on transcript NM_020242.3 (MANE Select); coding-DNA position 4125, C replaced by T.
Protein change: p.Ala1375=; no amino-acid change (alanine 1375 retained).
Molecular consequence: synonymous variant.
Genome position (GRCh38, 1-based): chr3:44,852,693, C>T. VCF-style: chr3-44852693-C-T. GRCh37 (hg19) VCF-style: chr3-44894185-C-T.
Identifiers: ClinVar variation 725428 (VCV000725428.10), dbSNP rs184866086, ClinGen allele CA2346797.